The following is an entry in ClinVar:

NM_004360.5(CDH1):c.-6C>T

Gene: CDH1 (cadherin 1; plus strand). Cytogenetic location: 16q22.1.
Variant type: single nucleotide variant.
Coding change: c.-6C>T on transcript NM_004360.5 (MANE Select); 6 bases upstream of the start codon, C replaced by T.
Molecular consequence: 5 prime UTR variant.
Genome position (GRCh38, 1-based): chr16:68,737,410, C>T. VCF-style: chr16-68737410-C-T. GRCh37 (hg19) VCF-style: chr16-68771313-C-T.
Other names: c.-6C>T (NM_001317184.2, LRG_301t1); c.-1621C>T (NM_001317185.2); c.-1825C>T (NM_001317186.2).
Identifiers: ClinVar variation 421101 (VCV000421101.3), dbSNP rs1064794910, ClinGen allele CA16620226.

ClinVar aggregate classification (germline): Conflicting classifications of pathogenicity. Review status: criteria provided, conflicting classifications (1 of 4 stars). 2 submissions from 2 submitters: Uncertain significance (1); Likely benign (1). Last evaluated 2018-03-28.

Conditions:
Hereditary cancer-predisposing syndrome. Also called: Hereditary neoplastic syndrome; Tumor predisposition; Neoplastic Syndromes, Hereditary; Hereditary Cancer Syndrome. Identifiers: Orphanet 140162, MedGen C0027672, MeSH D009386, MONDO:0015356.

gnomAD v4.1: 1 of 1,531,350 alleles (0.000065%); highest among the groups gnomAD compares: Non-Finnish European, 0.000087%; no homozygotes.

Submissions (2):

GeneDx
Classification: Likely benign. Last evaluated: 2018-03-28. Review status: criteria provided, single submitter. Criteria: GeneDx Variant Classification Process June 2021. Collection method: clinical testing. Allele origin: germline. Affected: yes.

Ambry Genetics
Classification: Uncertain significance for Hereditary cancer-predisposing syndrome. Last evaluated: 2015-04-07. Review status: criteria provided, single submitter. Criteria: Ambry Variant Classification Scheme 2023. Collection method: clinical testing. Allele origin: germline.
Comment: The c.-6C>T alteration is located in the 5' untranslated region (5'UTR) of the CDH1 gene. This alteration consists of a C to T substitution nucleotides upstream from the first translated codon. Based on insufficient or conflicting evidence, the clinical significance of this alteration remains unclear.